The following is an entry in ClinVar:

NM_007194.4(CHEK2):c.319+1del

Gene: CHEK2 (checkpoint kinase 2; minus strand). Cytogenetic location: 22q12.1.
Variant type: Deletion.
Coding change: c.319+1del on transcript NM_007194.4 (MANE Select); the canonical splice donor site of the intron after coding-DNA position 319, one base deleted (G; older notation c.319+1delG).
Molecular consequence: splice donor variant. On other transcripts: intron variant (1).
Genome position (GRCh38, 1-based): chr22:28,734,402, C deleted on the plus strand (G on the coding strand, the reverse complement: CHEK2 is on the minus strand); the first of 2 consecutive C bases (chr22:28,734,402-28,734,403); deleting either gives the same sequence. VCF-style (leftmost placement, unchanged base first): chr22-28734401-AC-A. GRCh37 (hg19) VCF-style: chr22-29130389-AC-A.
Other names: c.-345+7367del (NM_001437942.1); c.319+1del (NM_001349956.3, NM_145862.3, NM_001438295.1 and 3 more transcripts); c.-459+1del (NM_001257387.3).
Identifiers: ClinVar variation 1728658 (VCV001728658.5), dbSNP rs2518125985, ClinGen allele CA2580099376.

ClinVar aggregate classification (germline): Likely pathogenic. Review status: criteria provided, multiple submitters, no conflicts (2 of 4 stars). 2 submissions from 2 submitters: Likely pathogenic (2). Last evaluated 2024-08-19.

Conditions:
Hereditary cancer-predisposing syndrome. Also called: Tumor predisposition; Neoplastic Syndromes, Hereditary; Hereditary Cancer Syndrome; Hereditary neoplastic syndrome. Identifiers: Orphanet 140162, MedGen C0027672, MeSH D009386, MONDO:0015356.
Familial cancer of breast. Also called: Hereditary breast cancer; BREAST CANCER, FAMILIAL; hereditary breast carcinoma. Identifiers: Orphanet 227535, MedGen C0346153, MONDO:0016419, OMIM 114480. Disease mechanism: loss of function.

Submissions (2):

Ambry Genetics
Classification: Likely pathogenic for Hereditary cancer-predisposing syndrome. Last evaluated: 2024-08-19. Review status: criteria provided, single submitter. Criteria: Ambry Variant Classification Scheme 2023. Collection method: clinical testing. Allele origin: germline.
Comment: The c.319+1delG intronic variant results from a deletion of one nucleotide (G) after coding exon 1 of the CHEK2 gene. This variant is considered to be rare based on population cohorts in the Genome Aggregation Database (gnomAD). The canonical splice donor site is highly conserved in available vertebrate species. In silico splice site analysis predicts that this alteration will weaken the native splice donor site and will result in the creation or strengthening of a novel splice donor site. Alterations that disrupt the canonical splice site are expected to cause aberrant splicing, resulting in an abnormal protein or a transcript that is subject to nonsense-mediated mRNA decay. As such, this alteration is classified as likely pathogenic.

Myriad Genetics, Inc.
Classification: Likely pathogenic for Familial cancer of breast. Last evaluated: 2023-06-23. Review status: criteria provided, single submitter. Criteria: Myriad Autosomal Dominant, Autosomal Recessive and X-Linked Classification Criteria (2023). Collection method: clinical testing. Allele origin: unknown.
Comment: This variant is considered likely pathogenic. This variant occurs within a consensus splice junction and is predicted to result in abnormal mRNA splicing of either an out-of-frame exon or an in-frame exon necessary for protein stability and/or normal function.